The following is an entry in ClinVar:

NM_004963.4(GUCY2C):c.2249+1G>C

Gene: GUCY2C (guanylate cyclase 2C; minus strand). Cytogenetic location: 12p12.3.
Variant type: single nucleotide variant.
Coding change: c.2249+1G>C on transcript NM_004963.4 (MANE Select); the canonical splice donor site of the intron after coding-DNA position 2249, G replaced by C.
Molecular consequence: splice donor variant.
Genome position (GRCh38, 1-based): chr12:14,628,645, C>G on the plus strand (G>C on the coding strand, the complement: GUCY2C is on the minus strand). VCF-style: chr12-14628645-C-G. GRCh37 (hg19) VCF-style: chr12-14781579-C-G.
Identifiers: ClinVar variation 2011545 (VCV002011545.4), dbSNP rs2497643282, ClinGen allele CA383998470.

ClinVar aggregate classification (germline): Uncertain significance (1 of 4 stars; one submission).

Submission:

Labcorp Genetics (formerly Invitae), Labcorp
Classification: Uncertain significance. Last evaluated: 2023-10-13. Review status: criteria provided, single submitter. Criteria: Invitae Variant Classification Sherloc (09022015). Collection method: clinical testing. Allele origin: germline.
Comment: This sequence change affects a donor splice site in intron 20 of the GUCY2C gene. It is expected to disrupt RNA splicing. Variants that disrupt the donor or acceptor splice site typically lead to a loss of protein function (PMID: 16199547), however the current clinical and genetic evidence is not sufficient to establish whether loss-of-function variants in GUCY2C cause disease. This variant is not present in population databases (gnomAD no frequency). This variant has not been reported in the literature in individuals affected with GUCY2C-related conditions. ClinVar contains an entry for this variant (Variation ID: 2011545). Algorithms developed to predict the effect of sequence changes on RNA splicing suggest that this variant may disrupt the consensus splice site. In summary, the available evidence is currently insufficient to determine the role of this variant in disease. Therefore, it has been classified as a Variant of Uncertain Significance.

Literature cited by the submitters: PubMed 16199547.